The following is an entry in ClinVar:

ClinVar aggregate classification (germline): Uncertain significance (1 of 4 stars; one submission).

Submission:

GeneDx
Classification: Uncertain significance. Last evaluated: 2023-07-09. Review status: criteria provided, single submitter. Criteria: GeneDx Variant Classification Process June 2021. Collection method: clinical testing. Allele origin: germline. Affected: yes.
Comment: Not observed at significant frequency in large population cohorts (gnomAD); Missense variants in this gene are often considered pathogenic (HGMD); In silico analysis supports that this missense variant has a deleterious effect on protein structure/function; Has not been previously published as pathogenic or benign to our knowledge; This variant is associated with the following publications: (PMID: 24077912)

NM_145861.4(EDARADD):c.439G>A (p.Gly147Arg)

Gene: EDARADD (EDAR associated via death domain; plus strand). Cytogenetic location: 1q43.
Variant type: single nucleotide variant.
Coding change: c.439G>A on transcript NM_145861.4 (MANE Select); coding-DNA position 439, G replaced by A.
Protein change: p.Gly147Arg; replaces glycine 147 with arginine.
Molecular consequence: missense variant.
Genome position (GRCh38, 1-based): chr1:236,482,440, G>A. VCF-style: chr1-236482440-G-A. GRCh37 (hg19) VCF-style: chr1-236645740-G-A.
Other names: c.373G>A, p.Gly125Arg (NM_001422628.1); c.409G>A, p.Gly137Arg (NM_080738.5); short protein forms G137R, G147R, G125R.
Identifiers: ClinVar variation 2507084 (VCV002507084.2), dbSNP rs2526927227, ClinGen allele CA345354047.